The following is an entry in ClinVar:

NM_022089.4(ATP13A2):c.2309A>G (p.Gln770Arg)

Gene: ATP13A2 (ATPase cation transporting 13A2; minus strand). Cytogenetic location: 1p36.13.
Variant type: single nucleotide variant.
Coding change: c.2309A>G on transcript NM_022089.4 (MANE Select); coding-DNA position 2309, A replaced by G.
Protein change: p.Gln770Arg; replaces glutamine 770 with arginine.
Molecular consequence: missense variant.
Genome position (GRCh38, 1-based): chr1:16,990,230, T>C on the plus strand (A>G on the coding strand, the complement: ATP13A2 is on the minus strand). VCF-style: chr1-16990230-T-C. GRCh37 (hg19) VCF-style: chr1-17316725-T-C.
Other names: c.2294A>G, p.Gln765Arg (NM_001141973.3, NM_001141974.3); short protein forms Q770R, Q765R.
Identifiers: ClinVar variation 1042540 (VCV001042540.5), dbSNP rs77630788, ClinGen allele CA338241815.

ClinVar aggregate classification (germline): Uncertain significance (1 of 4 stars; one submission).

Conditions:
Kufor-Rakeb syndrome (KRS). Also called: PARKINSON DISEASE 9, AUTOSOMAL RECESSIVE, JUVENILE-ONSET. Identifiers: Orphanet 306674, Orphanet 314632, MedGen C1847640, MONDO:0011706, OMIM 606693.
Autosomal recessive spastic paraplegia type 78. Identifiers: Orphanet 513436, MedGen C5567893, MONDO:0014975, OMIM 617225.

Allele frequency attached by ClinVar (database versions not stated): gnomAD exomes below 0.00001.
gnomAD v4.1: 1 of 1,613,940 alleles (0.000062%); highest among the groups gnomAD compares: Non-Finnish European, 0.000085%; no homozygotes.

Submission:

Labcorp Genetics (formerly Invitae), Labcorp
Classification: Uncertain significance for Kufor-Rakeb syndrome; Autosomal recessive spastic paraplegia type 78. Last evaluated: 2020-01-31. Review status: criteria provided, single submitter. Criteria: Invitae Variant Classification Sherloc (09022015). Collection method: clinical testing. Allele origin: germline.
Comment: This sequence change replaces glutamine with arginine at codon 770 of the ATP13A2 protein (p.Gln770Arg). The glutamine residue is weakly conserved and there is a small physicochemical difference between glutamine and arginine. This variant is not present in population databases (ExAC no frequency). In summary, the available evidence is currently insufficient to determine the role of this variant in disease. Therefore, it has been classified as a Variant of Uncertain Significance. Algorithms developed to predict the effect of missense changes on protein structure and function output the following: SIFT: "Tolerated"; PolyPhen-2: "Benign"; Align-GVGD: "Class C0". The arginine amino acid residue is found in multiple mammalian species, suggesting that this missense change does not adversely affect protein function. These predictions have not been confirmed by published functional studies and their clinical significance is uncertain. This variant has not been reported in the literature in individuals with ATP13A2-related conditions.